The following is an entry in ClinVar:

ClinVar aggregate classification (germline): Conflicting classifications of pathogenicity. Review status: criteria provided, conflicting classifications (1 of 4 stars). 2 submissions from 2 submitters: Likely pathogenic (1); Uncertain significance (1). Last evaluated 2025-08-27.

Conditions:
Primary ciliary dyskinesia. Also called: Ciliary dyskinesia. Identifiers: Orphanet 244, MedGen C0008780, MONDO:0016575, HP:0012265.

gnomAD v4.1: 4 of 1,523,846 alleles (0.00026%); highest among the groups gnomAD compares: Non-Finnish European, 0.00036%; no homozygotes.

Submissions (2):

Natera, Inc.
Classification: Likely pathogenic for Primary ciliary dyskinesia. Last evaluated: 2025-08-27. Review status: criteria provided, single submitter. Criteria: Natera Variant Classification Schema (03/2026). Collection method: clinical testing. Allele origin: germline.
Comment: The c.1722+1G>A variant in DNAI2 is a canonical splice donor site variant predicted to affect pre-mRNA splicing, which may result in an abnormal transcript and altered protein product. This variant is expected to result in nonsense mediated decay, truncation, or a dysfunctional protein product. This variant is rare in the general population with a frequency below the threshold expected for the associated phenotype(s). Given the available evidence, this variant is classified as Likely Pathogenic.

Labcorp Genetics (formerly Invitae), Labcorp
Classification: Uncertain significance for Primary ciliary dyskinesia. Last evaluated: 2022-07-19. Review status: criteria provided, single submitter. Criteria: Invitae Variant Classification Sherloc (09022015). Collection method: clinical testing. Allele origin: germline.
Comment: This sequence change affects a donor splice site in intron 12 of the DNAI2 gene. While this variant is not anticipated to result in nonsense mediated decay, it likely alters RNA splicing and results in a disrupted protein product. This variant is not present in population databases (gnomAD no frequency). This variant has not been reported in the literature in individuals affected with DNAI2-related conditions. ClinVar contains an entry for this variant (Variation ID: 1046691). Variants that disrupt the consensus splice site are a relatively common cause of aberrant splicing (PMID: 17576681, 9536098). Algorithms developed to predict the effect of sequence changes on RNA splicing suggest that this variant may disrupt the consensus splice site. In summary, the available evidence is currently insufficient to determine the role of this variant in disease. Therefore, it has been classified as a Variant of Uncertain Significance.

Literature cited by the submitters: PubMed 17576681 (cited by Labcorp Genetics (formerly Invitae), Labcorp); PubMed 9536098 (cited by Labcorp Genetics (formerly Invitae), Labcorp).

NM_023036.6(DNAI2):c.1722+1G>A

Gene: DNAI2 (dynein axonemal intermediate chain 2; plus strand). Cytogenetic location: 17q25.1.
Variant type: single nucleotide variant.
Coding change: c.1722+1G>A on transcript NM_023036.6 (MANE Select); the canonical splice donor site of the intron after coding-DNA position 1722, G replaced by A.
Molecular consequence: splice donor variant.
Genome position (GRCh38, 1-based): chr17:74,312,231, G>A. VCF-style: chr17-74312231-G-A. GRCh37 (hg19) VCF-style: chr17-72308370-G-A.
Other names: c.1722+1G>A (NM_023036.5, NM_001353167.2); c.1686+1G>A (NM_001172810.3).
Identifiers: ClinVar variation 1046691 (VCV001046691.5), dbSNP rs2053569243, ClinGen allele CA400914015.